The following is an entry in ClinVar:

NM_174936.4(PCSK9):c.848T>C (p.Leu283Pro)

Gene: PCSK9 (proprotein convertase subtilisin/kexin type 9; plus strand). Cytogenetic location: 1p32.3.
Variant type: single nucleotide variant.
Coding change: c.848T>C on transcript NM_174936.4 (MANE Select); coding-DNA position 848, T replaced by C.
Protein change: p.Leu283Pro; replaces leucine 283 with proline.
Molecular consequence: missense variant.
Genome position (GRCh38, 1-based): chr1:55,056,041, T>C. VCF-style: chr1-55056041-T-C. GRCh37 (hg19) VCF-style: chr1-55521714-T-C.
Other names: c.971T>C, p.Leu324Pro (NM_001407240.1); c.848T>C, p.Leu283Pro (NM_001407241.1, NM_001407244.1, NM_001407247.1); c.851T>C, p.Leu284Pro (NM_001407242.1); c.791T>C, p.Leu264Pro (NM_001407243.1); c.656T>C, p.Leu219Pro (NM_001407245.1); c.473T>C, p.Leu158Pro (NM_001407246.1); short protein forms L283P, L284P, L264P, L158P, L219P, L324P.
Identifiers: ClinVar variation 921434 (VCV000921434.9), dbSNP rs1644711279, ClinGen allele CA340474469.

ClinVar aggregate classification (germline): Uncertain significance. Review status: criteria provided, multiple submitters, no conflicts (2 of 4 stars). 4 submissions from 4 submitters: Uncertain significance (4). Last evaluated 2026-10-15.

Conditions:
Familial hypercholesterolemia. Also called: Familial hypercholesterolemias; Familial hypercholesterolaemia. Identifiers: MedGen C0020445, MONDO:0005439.
Cardiovascular phenotype. Identifiers: MedGen CN230736.
Hypercholesterolemia, autosomal dominant, 3 (FHCL3). Also called: Familial Hypercholesterolemia, Autosomal Dominant, 3; PCSK9-Related Familial Hypercholesterolemia, Autosomal Dominant; Familial hypercholesterolemia 3. Identifiers: MedGen C1863551, MONDO:0011369, OMIM 603776.

Submissions (4):

GeneDx
Classification: Uncertain significance. Last evaluated: 2026-10-15. Review status: criteria provided, single submitter. Criteria: GeneDx Variant Classification Process June 2021. Collection method: clinical testing. Allele origin: germline.
Comment: Not observed at significant frequency in large population cohorts (gnomAD); In silico analysis suggests that this missense variant does not alter protein structure/function; Has not been previously published as pathogenic or benign to our knowledge

Ambry Genetics
Classification: Uncertain significance for Cardiovascular phenotype. Last evaluated: 2025-05-25. Review status: criteria provided, single submitter. Criteria: Ambry Variant Classification Scheme 2023. Collection method: clinical testing. Allele origin: germline.

Color Diagnostics, LLC DBA Color Health
Classification: Uncertain significance for Familial hypercholesterolemia. Last evaluated: 2024-03-06. Review status: criteria provided, single submitter. Criteria: ACMG Guidelines, 2015. Collection method: clinical testing. Allele origin: germline.
Comment: This missense variant replaces leucine with proline at codon 283 of the PCSK9 protein. Computational prediction is inconclusive regarding the impact of this variant on protein structure and function (internally defined REVEL score threshold 0.5 < inconclusive < 0.7, PMID: 27666373). Splice site prediction tools suggest that this variant may not impact RNA splicing. To our knowledge, functional studies have not been performed for this variant. This variant has not been reported in individuals affected with familial hypercholesterolemia in the literature. This variant has not been identified in the general population by the Genome Aggregation Database (gnomAD). The available evidence is insufficient to determine the role of this variant in disease conclusively. Therefore, this variant is classified as a Variant of Uncertain Significance.

All of Us Research Program, National Institutes of Health
Classification: Uncertain significance for Hypercholesterolemia, autosomal dominant, 3. Last evaluated: 2023-03-04. Review status: criteria provided, single submitter. Criteria: ACMG Guidelines, 2015. Collection method: clinical testing. Allele origin: germline. Inheritance: Autosomal dominant inheritance. Observed: 1 variant allele, 1 heterozygote.
Comment: This missense variant replaces leucine with proline at codon 283 of the PCSK9 protein. Computational prediction is inconclusive regarding the impact of this variant on protein structure and function (internally defined REVEL score threshold 0.5 < inconclusive < 0.7, PMID: 27666373). Splice site prediction tools suggest that this variant may not impact RNA splicing. To our knowledge, functional studies have not been performed for this variant. This variant has not been reported in individuals affected with familial hypercholesterolemia in the literature. This variant has not been identified in the general population by the Genome Aggregation Database (gnomAD). The available evidence is insufficient to determine the role of this variant in disease conclusively. Therefore, this variant is classified as a Variant of Uncertain Significance.

This study involves interpretation of variants in research participants for the purpose of population health screening. Participant phenotype was not available at the time of variant classification. Additional details can be found in publication PMID: 35346344, PMCID: PMC8962531